The following is an entry in ClinVar:

NC_000019.10:g.(?_50399365)_(50401930_?)del

Gene: POLD1 (DNA polymerase delta 1, catalytic subunit; plus strand). Cytogenetic location: 19q13.33.
Variant type: Deletion.
Identifiers: ClinVar variation 469168 (VCV000469168.9).

ClinVar aggregate classification (germline): Uncertain significance (1 of 4 stars; one submission).

Conditions:
POLD1-related polyposis and colorectal cancer syndrome (CRCS10). Also called: Colorectal cancer 10; COLORECTAL CANCER, SUSCEPTIBILITY TO, ON CHROMOSOME 19q; Colorectal cancer, susceptibility to, 10. Identifiers: Orphanet 220460, MedGen C2675481, MONDO:0012953, OMIM 612591.

Submission:

Labcorp Genetics (formerly Invitae), Labcorp
Classification: Uncertain significance for POLD1-related polyposis and colorectal cancer syndrome. Last evaluated: 2017-07-03. Review status: criteria provided, single submitter. Criteria: Invitae Variant Classification Sherloc (09022015). Collection method: clinical testing. Allele origin: germline.
Comment: Missense variants that disrupt the 3'-5' exonuclease (proof-reading) activity of the POLD1 protein, while not abolishing its polymerase enzyme activity, are associated with an increased risk for colonic adenomatous polyps and colon cancer (PMID: 23263490, 23447401). Loss-of-function truncating variants, which result in an absent or severely disrupted POLD1 protein, are therefore unlikely to be associated with disease. Without further clinical and genetic evidence, however, this variant has been classified as a Variant of Uncertain Significance. Gross deletions have not been reported in the literature in individuals with a POLD1-related disease. This variant is a gross deletion of the genomic region encompassing exons 3-4 and partial exon 5 of the POLD1 gene. The 5' end of this event is in intron 2 and the 3' boundary is in exon 5 at the c.510 position of the POLD1 gene. This is expected to result in an absent or disrupted protein product.

Literature cited by the submitters: PubMed 23263490; PubMed 23447401.